The following is an entry in ClinVar:

NM_001039591.3(USP9X):c.7544G>A (p.Gly2515Glu)

Gene: USP9X (ubiquitin specific peptidase 9 X-linked; plus strand). Cytogenetic location: Xp11.4.
Variant type: single nucleotide variant.
Coding change: c.7544G>A on transcript NM_001039591.3 (MANE Select); coding-DNA position 7544, G replaced by A.
Protein change: p.Gly2515Glu; replaces glycine 2515 with glutamic acid.
Molecular consequence: missense variant.
Genome position (GRCh38, 1-based): chrX:41,232,403, G>A. VCF-style: chrX-41232403-G-A. GRCh37 (hg19) VCF-style: chrX-41091656-G-A.
Other names: c.7592G>A, p.Gly2531Glu (NM_001039590.3); c.7607G>A, p.Gly2536Glu (NM_001410748.1); c.7559G>A, p.Gly2520Glu (NM_001410749.1); short protein forms G2515E, G2520E, G2531E, G2536E.
Identifiers: ClinVar variation 3368142 (VCV003368142.1).
Genomic context (GRCh38, chrX:41,232,403, plus strand): 5'-CTATGTGAAAAGTTTTAACATACAGATCTTTTCTCCTTTCCCAGAATAACCATGTGCATG[G>A]ACAGCCATATACAGGCCCAGCAGCACATCACATGAACAACCCTCAGAGAACTGGCCAACG-3'
Protein context (NP_001034680.2, residues 2505-2525): SQYQQNNHVH[Gly2515Glu]QPYTGPAAHH

ClinVar aggregate classification (germline): Uncertain significance (1 of 4 stars; one submission).

Submission:

GeneDx
Classification: Uncertain significance. Last evaluated: 2024-01-20. Review status: criteria provided, single submitter. Criteria: GeneDx Variant Classification Process June 2021. Collection method: clinical testing. Allele origin: germline. Affected: yes.
Comment: Not observed at significant frequency in large population cohorts (gnomAD); In silico analysis supports that this missense variant does not alter protein structure/function; Has not been previously published as pathogenic or benign to our knowledge